The following is an entry in ClinVar:

ClinVar aggregate classification (germline): Uncertain significance. Review status: criteria provided, multiple submitters, no conflicts (2 of 4 stars). 2 submissions from 2 submitters: Uncertain significance (2). Last evaluated 2024-10-11.

Conditions:
Hereditary cancer-predisposing syndrome. Also called: Neoplastic Syndromes, Hereditary; Hereditary Cancer Syndrome; Tumor predisposition; Hereditary neoplastic syndrome. Identifiers: Orphanet 140162, MedGen C0027672, MeSH D009386, MONDO:0015356.

Submissions (2):

Ambry Genetics
Classification: Uncertain significance for Hereditary cancer-predisposing syndrome. Last evaluated: 2024-10-11. Review status: criteria provided, single submitter. Criteria: Ambry Variant Classification Scheme 2023. Collection method: clinical testing. Allele origin: germline.
Comment: The p.M721R variant (also known as c.2162T>G), located in coding exon 14 of the CTNNA1 gene, results from a T to G substitution at nucleotide position 2162. The methionine at codon 721 is replaced by arginine, an amino acid with similar properties. This amino acid position is conserved. In addition, this alteration is predicted to be deleterious by in silico analysis. Based on the available evidence, the clinical significance of this variant remains unclear.

Labcorp Genetics (formerly Invitae), Labcorp
Classification: Uncertain significance. Last evaluated: 2020-11-23. Review status: criteria provided, single submitter. Criteria: Invitae Variant Classification Sherloc (09022015). Collection method: clinical testing. Allele origin: germline.
Comment: This variant has not been reported in the literature in individuals with CTNNA1-related conditions. Algorithms developed to predict the effect of missense changes on protein structure and function are either unavailable or do not agree on the potential impact of this missense change (SIFT: "Deleterious"; PolyPhen-2: "Possibly Damaging"; Align-GVGD: "Class C0"). In summary, the available evidence is currently insufficient to determine the role of this variant in disease. Therefore, it has been classified as a Variant of Uncertain Significance. This variant is not present in population databases (ExAC no frequency). This sequence change replaces methionine with arginine at codon 721 of the CTNNA1 protein (p.Met721Arg). The methionine residue is highly conserved and there is a moderate physicochemical difference between methionine and arginine.

NM_001903.5(CTNNA1):c.2162T>G (p.Met721Arg)

Gene: CTNNA1 (catenin alpha 1; plus strand). Cytogenetic location: 5q31.2.
Variant type: single nucleotide variant.
Coding change: c.2162T>G on transcript NM_001903.5 (MANE Select); coding-DNA position 2162, T replaced by G.
Protein change: p.Met721Arg; replaces methionine 721 with arginine.
Molecular consequence: missense variant.
Genome position (GRCh38, 1-based): chr5:138,930,624, T>G. VCF-style: chr5-138930624-T-G. GRCh37 (hg19) VCF-style: chr5-138266313-T-G.
Other names: c.2162T>G, p.Met721Arg (NM_001290307.3, NM_001323982.2, NM_001323983.1 and 2 more transcripts); c.1853T>G, p.Met618Arg (NM_001290309.3); c.1793T>G, p.Met598Arg (NM_001290310.3); c.1052T>G, p.Met351Arg (NM_001290312.1, NM_001323987.1, NM_001323988.1 and 17 more transcripts); c.2069T>G, p.Met690Arg (NM_001323986.2); c.713T>G, p.Met238Arg (NM_001324006.1, NM_001324007.1, NM_001324008.1 and 2 more transcripts); c.959T>G, p.Met320Arg (NM_001324011.1); c.809T>G, p.Met270Arg (NM_001324012.1, NM_001324013.1); and 1 more; short protein forms M238R, M270R, M690R, M721R, M351R, M320R, M618R, M598R.
Identifiers: ClinVar variation 1477529 (VCV001477529.9), dbSNP rs2150335044, ClinGen allele CA361133655.